The following is an entry in ClinVar:

ClinVar aggregate classification (germline): Likely pathogenic (1 of 4 stars; one submission).

Allele frequency attached by ClinVar (database versions not stated): gnomAD exomes below 0.00001.
gnomAD v4.1: 1 of 1,610,422 alleles (0.000062%); highest among the groups gnomAD compares: Non-Finnish European, 0.000085%; no homozygotes.

Submission:

Labcorp Genetics (formerly Invitae), Labcorp
Classification: Likely pathogenic. Last evaluated: 2020-08-08. Review status: criteria provided, single submitter. Criteria: Invitae Variant Classification Sherloc (09022015). Collection method: clinical testing. Allele origin: germline.
Comment: Algorithms developed to predict the effect of sequence changes on RNA splicing suggest that this variant may disrupt the consensus splice site, but this prediction has not been confirmed by published transcriptional studies. This variant has not been reported in the literature in individuals with IDH3A-related conditions. This variant is not present in population databases (ExAC no frequency). This sequence change affects an acceptor splice site in intron 7 of the IDH3A gene. It is expected to disrupt RNA splicing and likely results in an absent or disrupted protein product. Donor and acceptor splice site variants typically lead to a loss of protein function (PMID: 16199547), and loss-of-function variants in IDH3A are known to be pathogenic (PMID: 28412069). In summary, the currently available evidence indicates that the variant is pathogenic, but additional data are needed to prove that conclusively. Therefore, this variant has been classified as Likely Pathogenic.

Literature cited by the submitters: PubMed 16199547; PubMed 28412069.

NM_005530.3(IDH3A):c.715-1G>C

Gene: IDH3A (isocitrate dehydrogenase (NAD(+)) 3 catalytic subunit alpha; plus strand). Cytogenetic location: 15q25.1.
Variant type: single nucleotide variant.
Coding change: c.715-1G>C on transcript NM_005530.3 (MANE Select); the canonical splice acceptor site of the intron before coding-DNA position 715, G replaced by C.
Molecular consequence: splice acceptor variant.
Genome position (GRCh38, 1-based): chr15:78,163,715, G>C. VCF-style: chr15-78163715-G-C. GRCh37 (hg19) VCF-style: chr15-78456057-G-C.
Identifiers: ClinVar variation 1067070 (VCV001067070.7), dbSNP rs2141299875, ClinGen allele CA393545371.